The following is an entry in ClinVar:

ClinVar aggregate classification (germline): Benign/Likely benign. Review status: criteria provided, multiple submitters, no conflicts (2 of 4 stars). 7 submissions from 7 submitters: Benign (3); Likely benign (3). 1 of the submissions does not count toward it. Last evaluated 2025-12-19.

Conditions:
FLNA-related disorder.
Familial thoracic aortic aneurysm and aortic dissection (TAAD). Also called: Thoracic aortic aneurysms and dissections. Identifiers: Orphanet 91387, MedGen C4707243, MONDO:0019625.
Melnick-Needles syndrome (MNS). Also called: Melnick-Needles Syndrome (FLNA-MNS); MELNICK-NEEDLES OSTEODYSPLASTY; OSTEODYSPLASTY OF MELNICK AND NEEDLES. Identifiers: Orphanet 2484, MedGen C0025237, MONDO:0010650, OMIM 309350.
Frontometaphyseal dysplasia (FMD1). Identifiers: Orphanet 1826, MedGen C0265293, MONDO:0015942.
Heterotopia, periventricular, X-linked dominant (PVNH1). Also called: X-linked periventricular heterotopia; PERIVENTRICULAR NODULAR HETEROTOPIA 4; HETEROTOPIA, PERIVENTRICULAR, 1; PERIVENTRICULAR NODULAR HETEROTOPIA 1. Identifiers: Orphanet 2149, Orphanet 82004, MedGen C1848213, MONDO:0010233, OMIM 300049.
Oto-palato-digital syndrome, type II (OPD2). Also called: Otopalatodigital Syndrome Type 2 (FLNA-OPD2); FACIOPALATOOSSEOUS SYNDROME; OPD II SYNDROME; Otopalatodigital Syndrome, Type II. Identifiers: Orphanet 669, Orphanet 90652, MedGen C1844696, MONDO:0010571, OMIM 304120.

Allele frequency attached by ClinVar (database versions not stated): gnomAD exomes 0.00006 and 0.00008; ExAC 0.00013; ESP Exome Variant Server 0.00019; 1000 Genomes Project 30x 0.00021; 1000 Genomes Project 0.00026; gnomAD 0.00037 and 0.00040; TOPMed 0.00039.
gnomAD v4.1: 111 of 1,211,318 alleles (0.0092%); highest among the groups gnomAD compares: African/African-American, 0.13%; no homozygotes.

Submissions (7):

Labcorp Genetics (formerly Invitae), Labcorp
Classification: Benign for Oto-palato-digital syndrome, type II; Heterotopia, periventricular, X-linked dominant; Frontometaphyseal dysplasia; Melnick-Needles syndrome. Last evaluated: 2025-12-19. Review status: criteria provided, single submitter. Criteria: Invitae Variant Classification Sherloc (09022015). Collection method: clinical testing. Allele origin: germline.

Mayo Clinic Laboratories, Mayo Clinic
Classification: Benign. Last evaluated: 2025-10-06. Review status: criteria provided, single submitter. Criteria: ACMG Guidelines, 2015. Collection method: clinical testing. Allele origin: germline. Observed: 1 variant allele.
Comment: BS1, BS2, BP4, BP7

ARUP Laboratories, Molecular Genetics and Genomics, ARUP Laboratories
Classification: Likely benign. Last evaluated: 2025-02-11. Review status: criteria provided, single submitter. Criteria: ARUP Molecular Germline Variant Investigation Process 2024. Collection method: clinical testing. Allele origin: germline.

GeneDx
Classification: Benign. Last evaluated: 2020-11-05. Review status: criteria provided, single submitter. Criteria: GeneDx Variant Classification Process June 2021. Collection method: clinical testing. Allele origin: germline. Affected: yes.

Ambry Genetics
Classification: Likely benign for Familial thoracic aortic aneurysm and aortic dissection. Last evaluated: 2018-09-15. Review status: criteria provided, single submitter. Criteria: Ambry Variant Classification Scheme 2023. Collection method: clinical testing. Allele origin: germline.

Eurofins Ntd Llc (ga)
Classification: Likely benign. Last evaluated: 2018-03-29. Review status: criteria provided, single submitter. Criteria: EGL ClinVar v180209 classification definitions. Collection method: clinical testing. Allele origin: germline. Observed: 2 variant alleles, 1 heterozygote, 1 hemizygote.

PreventionGenetics, part of Exact Sciences
Classification: Likely benign for FLNA-related condition. Last evaluated: 2024-03-27. Review status: no assertion criteria provided. Collection method: clinical testing. Allele origin: germline. Not counted in ClinVar's aggregate classification.
Comment: This variant is classified as likely benign based on ACMG/AMP sequence variant interpretation guidelines (Richards et al. 2015 PMID: 25741868, with internal and published modifications).

NM_001110556.2(FLNA):c.5055G>A (p.Thr1685=)

Gene: FLNA (filamin A; minus strand). Cytogenetic location: Xq28.
Variant type: single nucleotide variant.
Coding change: c.5055G>A on transcript NM_001110556.2 (MANE Select); coding-DNA position 5055, G replaced by A.
Protein change: p.Thr1685=; no amino-acid change (threonine 1685 retained).
Molecular consequence: synonymous variant.
Genome position (GRCh38, 1-based): chrX:154,354,987, C>T on the plus strand (G>A on the coding strand, the complement: FLNA is on the minus strand). VCF-style: chrX-154354987-C-T. GRCh37 (hg19) VCF-style: chrX-153583355-C-T.
Other names: p.Thr1677=; c.5031G>A, p.Thr1677= (NM_001456.4); c.5055G>A (NM_001110556.1).
Identifiers: ClinVar variation 283513 (VCV000283513.21), dbSNP rs372863999, ClinGen allele CA10560399.